The following is an entry in ClinVar:

ClinVar aggregate classification (germline): Uncertain significance (1 of 4 stars; one submission).

Submission:

Labcorp Genetics (formerly Invitae), Labcorp
Classification: Uncertain significance. Last evaluated: 2025-09-03. Review status: criteria provided, single submitter. Criteria: Invitae Variant Classification Sherloc (09022015). Collection method: clinical testing. Allele origin: germline.
Comment: This sequence change replaces threonine, which is neutral and polar, with alanine, which is neutral and non-polar, at codon 786 of the DCHS1 protein (p.Thr786Ala). This variant is not present in population databases (gnomAD no frequency). This variant has not been reported in the literature in individuals affected with DCHS1-related conditions. Invitae Evidence Modeling of protein sequence and biophysical properties (such as structural, functional, and spatial information, amino acid conservation, physicochemical variation, residue mobility, and thermodynamic stability) indicates that this missense variant is not expected to disrupt DCHS1 protein function with a negative predictive value of 80%. In summary, the available evidence is currently insufficient to determine the role of this variant in disease. Therefore, it has been classified as a Variant of Uncertain Significance.

NM_003737.4(DCHS1):c.2356A>G (p.Thr786Ala)

Gene: DCHS1 (dachsous cadherin-related 1; minus strand). Cytogenetic location: 11p15.4.
Variant type: single nucleotide variant.
Coding change: c.2356A>G on transcript NM_003737.4 (MANE Select); coding-DNA position 2356, A replaced by G.
Protein change: p.Thr786Ala; replaces threonine 786 with alanine.
Molecular consequence: missense variant.
Genome position (GRCh38, 1-based): chr11:6,633,511, T>C on the plus strand (A>G on the coding strand, the complement: DCHS1 is on the minus strand). VCF-style: chr11-6633511-T-C. GRCh37 (hg19) VCF-style: chr11-6654742-T-C.
Other names: short protein forms T786A.
Identifiers: ClinVar variation 4770949 (VCV004770949.1).